The following is an entry in ClinVar:

NM_001849.4(COL6A2):c.624G>A (p.Pro208=)

Gene: COL6A2 (collagen type VI alpha 2 chain; plus strand). Cytogenetic location: 21q22.3.
Variant type: single nucleotide variant.
Coding change: c.624G>A on transcript NM_001849.4 (MANE Select); coding-DNA position 624, G replaced by A.
Protein change: p.Pro208=; no amino-acid change (proline 208 retained).
Molecular consequence: synonymous variant.
Genome position (GRCh38, 1-based): chr21:46,112,487, G>A. VCF-style: chr21-46112487-G-A. GRCh37 (hg19) VCF-style: chr21-47532401-G-A.
Other names: c.624G>A, p.Pro208= (NM_058174.3, NM_058175.3).
Identifiers: ClinVar variation 476490 (VCV000476490.16), dbSNP rs146333253, ClinGen allele CA10071354.

ClinVar aggregate classification (germline): Likely benign. Review status: criteria provided, multiple submitters, no conflicts (2 of 4 stars). 4 submissions from 4 submitters: Likely benign (3). 1 of the submissions does not count toward it. Last evaluated 2026-09-01.

Conditions:
COL6A2-related disorder.
Bethlem myopathy 1A. Also called: MYOPATHY, BENIGN CONGENITAL, WITH CONTRACTURES; Bethlem myopathy 1; Bethlem Muscular Dystrophy. Identifiers: Orphanet 610, MedGen CN029274, MONDO:0024530, OMIM 158810.

Allele frequency attached by ClinVar (database versions not stated): gnomAD 0.00011 and 0.00014; 1000 Genomes Project 30x 0.00016; TOPMed 0.00016; 1000 Genomes Project 0.00020; ExAC 0.00032; gnomAD exomes 0.00044.
gnomAD v4.1: 175 of 1,611,204 alleles (0.011%); highest among the groups gnomAD compares: Admixed American, 0.15%; no homozygotes.

Submissions (4):

CeGaT Center for Human Genetics Tuebingen
Classification: Likely benign. Last evaluated: 2026-09-01. Review status: criteria provided, single submitter. Criteria: CeGaT Center For Human Genetics Tuebingen Variant Classification Criteria Version 2. Collection method: clinical testing. Allele origin: germline. Affected: yes. Observed: 1 variant allele.
Comment: COL6A2: BP4, BP7

Labcorp Genetics (formerly Invitae), Labcorp
Classification: Likely benign for Bethlem myopathy 1A. Last evaluated: 2025-12-21. Review status: criteria provided, single submitter. Criteria: Invitae Variant Classification Sherloc (09022015). Collection method: clinical testing. Allele origin: germline.

GeneDx
Classification: Likely benign. Last evaluated: 2018-08-23. Review status: criteria provided, single submitter. Criteria: GeneDx Variant Classification Process June 2021. Collection method: clinical testing. Allele origin: germline. Affected: yes.

PreventionGenetics, part of Exact Sciences
Classification: Likely benign for COL6A2-related condition. Last evaluated: 2023-11-22. Review status: no assertion criteria provided. Collection method: clinical testing. Allele origin: germline. Not counted in ClinVar's aggregate classification.
Comment: This variant is classified as likely benign based on ACMG/AMP sequence variant interpretation guidelines (Richards et al. 2015 PMID: 25741868, with internal and published modifications).